The following is an entry in ClinVar:

ClinVar aggregate classification (germline): Uncertain significance (1 of 4 stars; one submission).

gnomAD v4.1: 2 of 1,613,166 alleles (0.00012%); highest among the groups gnomAD compares: Admixed American, 0.0017%; no homozygotes.

Submission:

GeneDx
Classification: Uncertain significance. Last evaluated: 2023-06-22. Review status: criteria provided, single submitter. Criteria: GeneDx Variant Classification Process June 2021. Collection method: clinical testing. Allele origin: germline. Affected: yes.
Comment: Not observed at significant frequency in large population cohorts (gnomAD); In silico analysis supports that this missense variant does not alter protein structure/function; Has not been previously published as pathogenic or benign to our knowledge

NM_032229.3(SLITRK6):c.1960G>A (p.Val654Met)

Gene: SLITRK6 (SLIT and NTRK like family member 6; minus strand). Cytogenetic location: 13q31.1.
Variant type: single nucleotide variant.
Coding change: c.1960G>A on transcript NM_032229.3 (MANE Select); coding-DNA position 1960, G replaced by A.
Protein change: p.Val654Met; replaces valine 654 with methionine.
Molecular consequence: missense variant.
Genome position (GRCh38, 1-based): chr13:85,794,549, C>T on the plus strand (G>A on the coding strand, the complement: SLITRK6 is on the minus strand). VCF-style: chr13-85794549-C-T. GRCh37 (hg19) VCF-style: chr13-86368684-C-T.
Other names: short protein forms V654M.
Identifiers: ClinVar variation 3360096 (VCV003360096.1).